The following is an entry in ClinVar:

NM_000158.4(GBE1):c.708G>C (p.Gln236His)

Gene: GBE1 (1,4-alpha-glucan branching enzyme 1; minus strand). Cytogenetic location: 3p12.2.
Variant type: single nucleotide variant.
Coding change: c.708G>C on transcript NM_000158.4 (MANE Select); coding-DNA position 708, G replaced by C.
Protein change: p.Gln236His; replaces glutamine 236 with histidine.
Molecular consequence: missense variant.
Genome position (GRCh38, 1-based): chr3:81,646,466, C>G on the plus strand (G>C on the coding strand, the complement: GBE1 is on the minus strand). VCF-style: chr3-81646466-C-G. GRCh37 (hg19) VCF-style: chr3-81695617-C-G.
Other names: NM_000158.4(GBE1):c.708G>C; p.Gln236His; c.708G>C (NM_000158.3); short protein forms Q236H.
Identifiers: ClinVar variation 2790 (VCV000002790.33), dbSNP rs137852892, ClinGen allele CA115762.

ClinVar aggregate classification (germline): Pathogenic/Likely pathogenic. Review status: criteria provided, multiple submitters, no conflicts (2 of 4 stars). 17 submissions from 17 submitters: Pathogenic (3); Likely pathogenic (13). 1 of the submissions does not count toward it. Last evaluated 2025-10-23.

Conditions:
Glycogen storage disease, type IV (GSD4). Also called: Glycogen storage disease due to glycogen branching enzyme deficiency; AMYLOPECTINOSIS; ANDERSEN DISEASE; BRANCHER DEFICIENCY; CIRRHOSIS, FAMILIAL, WITH DEPOSITION OF ABNORMAL GLYCOGEN; GBE1 DEFICIENCY. Identifiers: Orphanet 367, MedGen C0017923, MONDO:0009292, OMIM 232500.
Glycogen storage disease IV, classic hepatic. Also called: GSD IV, CLASSIC HEPATIC. Identifiers: MedGen C1856301.
GBE1-related disorder. Also called: GBE1-related disorders; GBE1-related condition. Identifiers: MedGen CN239402.
Adult polyglucosan body disease (APBN). Also called: GBE1-Adult Polyglucosan Body Disease; POLYGLUCOSAN BODY DISEASE, ADULT FORM. Identifiers: Orphanet 206583, MedGen C1849722, MONDO:0009897, OMIM 263570.
Glycogen storage disease. Also called: glycogen storage disorder; Disorder of glycogen metabolism. Identifiers: Orphanet 79201, MedGen C0017919, MONDO:0002412.
Glycogen storage disease due to glycogen branching enzyme deficiency, congenital neuromuscular form. Also called: GLYCOGEN STORAGE DISEASE IV, CONGENITAL NEUROMUSCULAR; GSD IV, NEUROMUSCULAR FORM, CONGENITAL. Identifiers: Orphanet 308670, MedGen C1856304, MONDO:0017698.

Allele frequency attached by ClinVar (database versions not stated): ExAC 0.00002; gnomAD exomes 0.00002; gnomAD 0.00003; TOPMed 0.00003.
gnomAD v4.1: 35 of 1,598,264 alleles (0.0022%); highest among the groups gnomAD compares: Middle Eastern, 0.017%; no homozygotes.

Submissions 1 to 12 of 17:

Mayo Clinic Laboratories, Mayo Clinic
Classification: Likely pathogenic. Last evaluated: 2025-10-23. Review status: criteria provided, single submitter. Criteria: ACMG Guidelines, 2015. Collection method: clinical testing. Allele origin: germline. Observed: 1 variant allele.
Comment: PP3_moderate, PP4, PM2_supporting, PM3_strong

NHS Central & South Genomic Laboratory Hub
Classification: Likely pathogenic for Glycogen storage disease. Last evaluated: 2025-10-21. Review status: criteria provided, single submitter. Criteria: ACMG Guidelines, 2015. Collection method: clinical testing. Allele origin: germline. Affected: yes.

Labcorp Genetics (formerly Invitae), Labcorp
Classification: Pathogenic for Glycogen storage disease, type IV; Glycogen storage disease IV, classic hepatic. Last evaluated: 2025-10-02. Review status: criteria provided, single submitter. Criteria: Invitae Variant Classification Sherloc (09022015). Collection method: clinical testing. Allele origin: germline.
Comment: This sequence change replaces glutamine, which is neutral and polar, with histidine, which is basic and polar, at codon 236 of the GBE1 protein (p.Gln236His). This variant is present in population databases (rs137852892, gnomAD 0.007%). This missense change has been observed in individual(s) with GBE1-related conditions (PMID: 16528737, 27546458, 33060286). In at least one individual the data is consistent with being in trans (on the opposite chromosome) from a pathogenic variant. ClinVar contains an entry for this variant (Variation ID: 2790). Invitae Evidence Modeling of protein sequence and biophysical properties (such as structural, functional, and spatial information, amino acid conservation, physicochemical variation, residue mobility, and thermodynamic stability) has been performed for this missense variant. However, the output from this modeling did not meet the statistical confidence thresholds required to predict the impact of this variant on GBE1 protein function. For these reasons, this variant has been classified as Pathogenic.

CeGaT Center for Human Genetics Tuebingen
Classification: Likely pathogenic. Last evaluated: 2025-08-01. Review status: criteria provided, single submitter. Criteria: CeGaT Center For Human Genetics Tuebingen Variant Classification Criteria Version 2. Collection method: clinical testing. Allele origin: germline. Affected: yes. Observed: 1 variant allele.
Comment: GBE1: PM3:Strong, PM2, PP3

First Genomix Gene Laboratory, Genetic Diagnostics Department
Classification: Likely pathogenic for Glycogen storage disease, type IV; Adult polyglucosan body disease. Last evaluated: 2025-06-02. Review status: criteria provided, single submitter. Criteria: ACMG Guidelines, 2015. Collection method: clinical testing. Allele origin: germline. Inheritance: Autosomal recessive inheritance. Affected: no. Observed: 1 variant allele.

GeneDx
Classification: Likely pathogenic. Last evaluated: 2025-04-01. Review status: criteria provided, single submitter. Criteria: GeneDx Variant Classification Process June 2021. Collection method: clinical testing. Allele origin: germline. Affected: yes.
Comment: In silico analysis supports that this missense variant has a deleterious effect on protein structure/function; Not observed at significant frequency in large population cohorts (gnomAD); This variant is associated with the following publications: (PMID: 31589614, 16528737, 27546458, 38012812, 33060286, Miller2024[Abstract], 37598009)

Natera, Inc.
Classification: Likely pathogenic for Glycogen storage disease type IV. Last evaluated: 2025-03-07. Review status: criteria provided, single submitter. Criteria: Natera Variant Classification Schema (03/2026). Collection method: clinical testing. Allele origin: germline.
Comment: The c.708G>C variant in GBE1 is a missense variant predicted to cause substitution of glutamine to histidine at amino acid 236. This variant is rare in the general population with a frequency below the threshold expected for the associated phenotype(s). This variant has been observed in one or more individuals affected with the associated recessive disease, as either homozygous or compound heterozygous with a second variant (PMID: 37598009, 27546458, 33060286). Computational prediction algorithms indicate this variant is likely to affect gene or protein function. Given the available evidence, this variant is classified as Likely Pathogenic.

3billion
Classification: Likely pathogenic for Glycogen storage disease, type IV. Last evaluated: 2024-08-01. Review status: criteria provided, single submitter. Criteria: ACMG Guidelines, 2015. Collection method: clinical testing. Allele origin: germline. Affected: yes.
Comment: The variant is observed at an extremely low frequency in the gnomAD v4.0.0 dataset (total allele frequency: 0.002%). Predicted Consequence/Location: The majority of the known disease-causing variants of this gene are variants expected to result in premature termination of the protein. In silico tool predictions suggest damaging effect of the variant on gene or gene product [REVEL: 0.83 (>=0.6, sensitivity 0.68 and specificity 0.92); 3Cnet: 0.99 (>=0.6, sensitivity 0.72 and precision 0.9)]. The same nucleotide change resulting in the same amino acid change has been previously reported as pathogenic/likely pathogenic with strong evidence (ClinVar ID: VCV000002790 /PMID: 16528737). Therefore, this variant is classified as Likely pathogenic according to the recommendation of ACMG/AMP guideline.

Blueprint Genetics
Classification: Pathogenic for GBE1-related disorders. Last evaluated: 2024-07-29. Review status: criteria provided, single submitter. Criteria: ACMG Guidelines, 2015. Collection method: clinical testing. Allele origin: germline. Affected: yes. Observed: 5 variant alleles.

Fulgent Genetics
Classification: Likely pathogenic for Glycogen storage disease, type IV; Adult polyglucosan body disease. Last evaluated: 2024-05-23. Review status: criteria provided, single submitter. Criteria: ACMG Guidelines, 2015. Collection method: clinical testing. Allele origin: germline.

Baylor Genetics
Classification: Pathogenic for Glycogen storage disease, type IV. Last evaluated: 2024-03-04. Review status: criteria provided, single submitter. Criteria: ACMG Guidelines, 2015. Collection method: clinical testing. Allele origin: unknown.

Broad Center for Mendelian Genomics, Broad Institute of MIT and Harvard
Classification: Likely pathogenic for Glycogen storage disease, type IV. Last evaluated: 2023-12-05. Review status: criteria provided, single submitter. Criteria: ACMG Guidelines, 2015. Collection method: curation. Allele origin: germline. Inheritance: Autosomal recessive inheritance.
Comment: The p.Gln236His variant in GBE1 has been reported in 4 individuals with glycogen storage disease type IV (GSD IV) (PMID: 16528737, 27546458, 33060286, 37598009) and has been identified in 0.003% (3/88322) of South Asian chromosomes by the Genome Aggregation Database (gnomAD; dbSNP ID: rs137852892). Although this variant has been seen in the general population in a heterozygous state, its frequency is low enough to be consistent with a recessive carrier frequency. Of the 4 affected individuals, 2 were compound heterozygotes that carried a reported pathogenic variant in trans or with unknown phase which increases the likelihood that the p.Gln236His variant is pathogenic (VariationID: 208584; PMID: 33060286, 37598009). This variant has also been reported in ClinVar (Variation ID#: 2790) and has been interpreted as pathogenic by OMIM and Invitae, and likely pathogenic by Nilou-Genome Lab, Women's Health and Genetics/Laboratory Corporation of America (LabCorp), MGZ Medical Genetics Center, GeneDx, and PreventionGenetics (PreventionGenetics). Computational prediction tools and conservation analyses suggest that this variant may impact the protein, though this information is not predictive enough to determine pathogenicity. The phenotype of an individual compound heterozygous for this variant is highly specific for GSD IV based on strict biochemical investigations consistent with disease (PMID: 16528737). In summary, although additional studies are required to fully establish its clinical significance, this variant is likely pathogenic for autosomal recessive GSD IV. ACMG/AMP Criteria applied: PP3, PM2_supporting, PM3_strong, PP4 (Richards 2015).